The following is an entry in ClinVar:

NM_001379270.1(CNGA1):c.1621G>A (p.Gly541Ser)

Genes: CNGA1 (cyclic nucleotide gated channel subunit alpha 1; minus strand), LOC101927157 (uncharacterized LOC101927157; plus strand). Cytogenetic location: 4p12.
Variant type: single nucleotide variant.
Coding change: c.1621G>A on transcript NM_001379270.1 (MANE Select); coding-DNA position 1621, G replaced by A.
Protein change: p.Gly541Ser; replaces glycine 541 with serine.
Molecular consequence: missense variant.
Genome position (GRCh38, 1-based): chr4:47,936,861, C>T on the plus strand (G>A on the coding strand, the complement: CNGA1 is on the minus strand). VCF-style: chr4-47936861-C-T. GRCh37 (hg19) VCF-style: chr4-47938878-C-T.
Other names: c.1621G>A, p.Gly541Ser (NM_000087.5, NM_001142564.2); short protein forms G614S, G541S.
Identifiers: ClinVar variation 143098 (VCV000143098.10), dbSNP rs527236057, ClinGen allele CA270046.

ClinVar aggregate classification (germline): Uncertain significance. Review status: criteria provided, multiple submitters, no conflicts (2 of 4 stars). 3 submissions from 3 submitters: Uncertain significance (2). 1 of the submissions does not count toward it. Last evaluated 2024-11-18.

Conditions:
Retinitis pigmentosa 49 (RP49). Identifiers: Orphanet 791, MedGen C3151059, MONDO:0013405, OMIM 613756.
Retinitis pigmentosa (RP). Identifiers: Orphanet 791, MedGen C0035334, MeSH D012174, MONDO:0019200, OMIM 268000. Inheritance: Autosomal dominant, autosomal recessive and X linked inheritance.

Allele frequency attached by ClinVar (database versions not stated): gnomAD exomes below 0.00001 and 0.00001; ExAC 0.00001; TOPMed 0.00001.
gnomAD v4.1: 3 of 1,614,078 alleles (0.00019%); highest among the groups gnomAD compares: South Asian, 0.0011%; no homozygotes.

Submissions (3):

Labcorp Genetics (formerly Invitae), Labcorp
Classification: Uncertain significance. Last evaluated: 2024-11-18. Review status: criteria provided, single submitter. Criteria: Invitae Variant Classification Sherloc (09022015). Collection method: clinical testing. Allele origin: germline.
Comment: This sequence change replaces glycine, which is neutral and non-polar, with serine, which is neutral and polar, at codon 545 of the CNGA1 protein (p.Gly545Ser). This variant is present in population databases (rs527236057, gnomAD 0.003%). This missense change has been observed in individual(s) with retinitis pigmentosa (PMID: 25324289). This variant is also known as c.1840G>A (p.G614S). ClinVar contains an entry for this variant (Variation ID: 143098). Invitae Evidence Modeling of protein sequence and biophysical properties (such as structural, functional, and spatial information, amino acid conservation, physicochemical variation, residue mobility, and thermodynamic stability) indicates that this missense variant is expected to disrupt CNGA1 protein function with a positive predictive value of 80%. In summary, the available evidence is currently insufficient to determine the role of this variant in disease. Therefore, it has been classified as a Variant of Uncertain Significance.

Department of Pathology and Laboratory Medicine, Sinai Health System
Classification: Uncertain significance for Retinitis pigmentosa; Retinitis pigmentosa 49. Last evaluated: 2020-08-19. Review status: criteria provided, single submitter. Criteria: ACMG Guidelines, 2015. Collection method: research. Allele origin: germline.

Department of Ophthalmology and Visual Sciences Kyoto University
Classification: Likely pathogenic for Retinitis pigmentosa. Review status: no assertion criteria provided. Collection method: not provided. Allele origin: unknown. Not counted in ClinVar's aggregate classification.
ClinVar note: Converted during submission from probable-pathogenic to Likely pathogenic.

Literature cited by the submitters: PubMed 25324289 (cited by Labcorp Genetics (formerly Invitae), Labcorp).